The following is an entry in ClinVar:

NC_000012.12:g.121641350C>T

Gene: ORAI1 (ORAI calcium release-activated calcium modulator 1; plus strand). Cytogenetic location: 12q24.31.
Variant type: single nucleotide variant.
Genome position: GRCh38 VCF-style: chr12-121641350-C-T. GRCh37 (hg19) VCF-style: chr12-122079256-C-T.
Other names: c.613C>T, p.Gln205Ter (NM_032790.4); short protein forms Q205*.
Identifiers: ClinVar variation 1505011 (VCV001505011.6), dbSNP rs2136853046, ClinGen allele CA386983919.

ClinVar aggregate classification (germline): Likely pathogenic (1 of 4 stars; one submission).

Conditions:
Combined immunodeficiency due to ORAI1 deficiency. Also called: IMMUNODEFICIENCY 9. Identifiers: Orphanet 169090, Orphanet 317428, MedGen C2748568, MONDO:0013007, OMIM 612782.
Myopathy, tubular aggregate, 2 (TAM2). Identifiers: MedGen C4014557, MONDO:0014383, OMIM 615883.

Submission:

Labcorp Genetics (formerly Invitae), Labcorp
Classification: Likely pathogenic for Myopathy, tubular aggregate, 2; Combined immunodeficiency due to ORAI1 deficiency. Last evaluated: 2022-08-31. Review status: criteria provided, single submitter. Criteria: Invitae Variant Classification Sherloc (09022015). Collection method: clinical testing. Allele origin: germline.
Comment: In summary, the currently available evidence indicates that the variant is pathogenic, but additional data are needed to prove that conclusively. Therefore, this variant has been classified as Likely Pathogenic. This variant disrupts the STIM1 binding domain of the ORAI1 protein, which regulates calcium influx (PMID: 26138675, 23447534, 23613525). While functional studies have not been performed to directly test the effect of this variant on ORAI1 protein function, this suggests that disruption of this region of the protein is causative of disease. ClinVar contains an entry for this variant (Variation ID: 1505011). This variant has not been reported in the literature in individuals affected with ORAI1-related conditions. This variant is not present in population databases (gnomAD no frequency). This sequence change creates a premature translational stop signal (p.Gln205*) in the ORAI1 gene. While this is not anticipated to result in nonsense mediated decay, it is expected to disrupt the last 97 amino acid(s) of the ORAI1 protein.

Literature cited by the submitters: PubMed 26138675; PubMed 23447534; PubMed 23613525.